The following is an entry in ClinVar:

NM_001382347.1(MYO5A):c.5584G>A (p.Ala1862Thr)

Gene: MYO5A (myosin VA; minus strand). Cytogenetic location: 15q21.2.
Variant type: single nucleotide variant.
Coding change: c.5584G>A on transcript NM_001382347.1 (MANE Select); coding-DNA position 5584, G replaced by A.
Protein change: p.Ala1862Thr; replaces alanine 1862 with threonine.
Molecular consequence: missense variant.
Genome position (GRCh38, 1-based): chr15:52,313,755, C>T on the plus strand (G>A on the coding strand, the complement: MYO5A is on the minus strand). VCF-style: chr15-52313755-C-T. GRCh37 (hg19) VCF-style: chr15-52605952-C-T.
Other names: c.5509G>A, p.Ala1837Thr (NM_000259.3); c.5428G>A, p.Ala1810Thr (NM_001142495.2); c.5656G>A, p.Ala1886Thr (NM_001382348.1); c.5581G>A, p.Ala1861Thr (NM_001382349.1); c.5500G>A, p.Ala1834Thr (NM_001411135.1); short protein forms A1861T, A1810T, A1834T, A1837T, A1886T, A1862T.
Identifiers: ClinVar variation 1958258 (VCV001958258.5), dbSNP rs745374294, ClinGen allele CA7567830.

ClinVar aggregate classification (germline): Uncertain significance (1 of 4 stars; one submission).

Allele frequency attached by ClinVar (database versions not stated): ExAC 0.00002.
gnomAD v4.1: 37 of 1,613,826 alleles (0.0023%); highest among the groups gnomAD compares: South Asian, 0.0033%; no homozygotes.

Submission:

Labcorp Genetics (formerly Invitae), Labcorp
Classification: Uncertain significance. Last evaluated: 2022-10-17. Review status: criteria provided, single submitter. Criteria: Invitae Variant Classification Sherloc (09022015). Collection method: clinical testing. Allele origin: germline.
Comment: This sequence change replaces alanine, which is neutral and non-polar, with threonine, which is neutral and polar, at codon 1837 of the MYO5A protein (p.Ala1837Thr). This variant is present in population databases (rs745374294, gnomAD 0.01%). This variant has not been reported in the literature in individuals affected with MYO5A-related conditions. Algorithms developed to predict the effect of missense changes on protein structure and function are either unavailable or do not agree on the potential impact of this missense change (SIFT: "Tolerated"; PolyPhen-2: "Probably Damaging"; Align-GVGD: "Class C0"). In summary, the available evidence is currently insufficient to determine the role of this variant in disease. Therefore, it has been classified as a Variant of Uncertain Significance.